The following is an entry in ClinVar:

ClinVar aggregate classification (germline): Likely benign (0 of 4 stars; one submission).

Conditions:
MKS1-related disorder. Also called: MKS1-related disorders; MKS1-related condition. Identifiers: MedGen CN239382.

Allele frequency attached by ClinVar (database versions not stated): gnomAD exomes 0.00003.
gnomAD v4.1: 19 of 1,341,228 alleles (0.0014%); highest among the groups gnomAD compares: Non-Finnish European, 0.002%; no homozygotes.

Submission:

PreventionGenetics, part of Exact Sciences
Classification: Likely benign for MKS1-related condition. Last evaluated: 2021-04-20. Review status: no assertion criteria provided. Collection method: clinical testing. Allele origin: germline.
Comment: This variant is classified as likely benign based on ACMG/AMP sequence variant interpretation guidelines (Richards et al. 2015 PMID: 25741868, with internal and published modifications).

NM_017777.4(MKS1):c.262-89T>C

Gene: MKS1 (MKS transition zone complex subunit 1; minus strand). Cytogenetic location: 17q22.
Variant type: single nucleotide variant.
Coding change: c.262-89T>C on transcript NM_017777.4 (MANE Select); 89 bases into the intron before coding-DNA position 262, T replaced by C.
Molecular consequence: intron variant.
Genome position (GRCh38, 1-based): chr17:58,216,332, A>G on the plus strand (T>C on the coding strand, the complement: MKS1 is on the minus strand). VCF-style: chr17-58216332-A-G. GRCh37 (hg19) VCF-style: chr17-56293693-A-G.
Other names: c.-250-89T>C (NM_001321268.2); c.262-89T>C (NM_001330397.2, NM_001321269.2, NM_001411113.1).
Identifiers: ClinVar variation 3059574 (VCV003059574.2), dbSNP rs2509455799, ClinGen allele CA2576402424.